The following is an entry in ClinVar:

NM_024598.4(USB1):c.62G>T (p.Gly21Val)

Gene: USB1 (U6 snRNA biogenesis phosphodiesterase 1; plus strand). Cytogenetic location: 16q21.
Variant type: single nucleotide variant.
Coding change: c.62G>T on transcript NM_024598.4 (MANE Select); coding-DNA position 62, G replaced by T.
Protein change: p.Gly21Val; replaces glycine 21 with valine.
Molecular consequence: missense variant. On other transcripts: intron variant (1).
Genome position (GRCh38, 1-based): chr16:58,001,545, G>T. VCF-style: chr16-58001545-G-T. GRCh37 (hg19) VCF-style: chr16-58035449-G-T.
Other names: c.62G>T, p.Gly21Val (NM_001204911.2, NM_001330569.2, NM_001195302.2); c.-55-934G>T (NM_001330568.2); short protein forms G21V.
Identifiers: ClinVar variation 3813866 (VCV003813866.1).

ClinVar aggregate classification (germline): Uncertain significance (1 of 4 stars; one submission).

Conditions:
Inborn genetic diseases. Identifiers: MedGen C0950123, MeSH D030342.

Submission:

Ambry Genetics
Classification: Uncertain significance for Inborn genetic diseases. Last evaluated: 2024-12-25. Review status: criteria provided, single submitter. Criteria: Ambry Variant Classification Scheme 2023. Collection method: clinical testing. Allele origin: germline.
Comment: The p.G21V variant (also known as c.62G>T), located in coding exon 1 of the USB1 gene, results from a G to T substitution at nucleotide position 62. The glycine at codon 21 is replaced by valine, an amino acid with dissimilar properties. This amino acid position is conserved. In addition, this alteration is predicted to be tolerated by in silico analysis. Based on the available evidence, the clinical significance of this variant remains unclear.